The following is an entry in ClinVar:

NM_000355.4(TCN2):c.603G>C (p.Leu201Phe)

Gene: TCN2 (transcobalamin 2; plus strand). Cytogenetic location: 22q12.2.
Variant type: single nucleotide variant.
Coding change: c.603G>C on transcript NM_000355.4 (MANE Select); coding-DNA position 603, G replaced by C.
Protein change: p.Leu201Phe; replaces leucine 201 with phenylalanine.
Molecular consequence: missense variant.
Genome position (GRCh38, 1-based): chr22:30,615,323, G>C. VCF-style: chr22-30615323-G-C. GRCh37 (hg19) VCF-style: chr22-31011310-G-C.
Other names: c.522G>C, p.Leu174Phe (NM_001184726.2); short protein forms L174F, L201F.
Identifiers: ClinVar variation 4771178 (VCV004771178.1).

ClinVar aggregate classification (germline): Uncertain significance (1 of 4 stars; one submission).

Conditions:
Transcobalamin II deficiency (TCN2D). Also called: TC II DEFICIENCY; TCN2 DEFICIENCY; Transcolabamin II deficiency. Identifiers: Orphanet 859, MedGen C0342701, MONDO:0010149, OMIM 275350.

gnomAD v4.1: 11 of 1,614,174 alleles (0.00068%); highest among the groups gnomAD compares: Non-Finnish European, 0.00093%; no homozygotes.

Submission:

Labcorp Genetics (formerly Invitae), Labcorp
Classification: Uncertain significance for Transcobalamin II deficiency. Last evaluated: 2025-08-18. Review status: criteria provided, single submitter. Criteria: Invitae Variant Classification Sherloc (09022015). Collection method: clinical testing. Allele origin: germline.
Comment: This sequence change replaces leucine, which is neutral and non-polar, with phenylalanine, which is neutral and non-polar, at codon 201 of the TCN2 protein (p.Leu201Phe). This variant is not present in population databases (gnomAD no frequency). This variant has not been reported in the literature in individuals affected with TCN2-related conditions. Invitae Evidence Modeling of protein sequence and biophysical properties (such as structural, functional, and spatial information, amino acid conservation, physicochemical variation, residue mobility, and thermodynamic stability) indicates that this missense variant is expected to disrupt TCN2 protein function with a positive predictive value of 80%. In summary, the available evidence is currently insufficient to determine the role of this variant in disease. Therefore, it has been classified as a Variant of Uncertain Significance.